The following is an entry in ClinVar:

ClinVar aggregate classification (germline): Uncertain significance (1 of 4 stars; one submission).

Conditions:
Hereditary breast ovarian cancer syndrome. Also called: Hereditary breast and ovarian cancer syndrome; Breast and ovarian cancer; BRCA1- and BRCA2-Associated Hereditary Breast and Ovarian Cancer; Hereditary breast and ovarian cancer syndrome (HBOC); Hereditary breast and/or ovarian cancer syndrome; Hereditary breast and ovarian cancer. Identifiers: Orphanet 145, MedGen C0677776, MeSH D061325, MONDO:0003582. Disease mechanism: loss of function.

Allele frequency attached by ClinVar (database versions not stated): gnomAD exomes below 0.00001.
gnomAD v4.1: 2 of 1,614,178 alleles (0.00012%); highest among the groups gnomAD compares: Non-Finnish European, 0.000085%; no homozygotes.

Submission:

Labcorp Genetics (formerly Invitae), Labcorp
Classification: Uncertain significance for Hereditary breast ovarian cancer syndrome. Last evaluated: 2024-01-24. Review status: criteria provided, single submitter. Criteria: Invitae Variant Classification Sherloc (09022015). Collection method: clinical testing. Allele origin: germline.
Comment: This sequence change replaces proline, which is neutral and non-polar, with serine, which is neutral and polar, at codon 3281 of the BRCA2 protein (p.Pro3281Ser). This variant is not present in population databases (gnomAD no frequency). This variant has not been reported in the literature in individuals affected with BRCA2-related conditions. Advanced modeling of protein sequence and biophysical properties (such as structural, functional, and spatial information, amino acid conservation, physicochemical variation, residue mobility, and thermodynamic stability) performed at Invitae indicates that this missense variant is not expected to disrupt BRCA2 protein function with a negative predictive value of 95%. In summary, the available evidence is currently insufficient to determine the role of this variant in disease. Therefore, it has been classified as a Variant of Uncertain Significance.

NM_000059.4(BRCA2):c.9841C>T (p.Pro3281Ser)

Gene: BRCA2 (BRCA2 DNA repair associated; plus strand). Cytogenetic location: 13q13.1.
Variant type: single nucleotide variant.
Coding change: c.9841C>T on transcript NM_000059.4 (MANE Select); coding-DNA position 9841, C replaced by T.
Protein change: p.Pro3281Ser; replaces proline 3281 with serine.
Molecular consequence: missense variant. On other transcripts: non-coding transcript variant (1).
Genome position (GRCh38, 1-based): chr13:32,398,354, C>T. VCF-style: chr13-32398354-C-T. GRCh37 (hg19) VCF-style: chr13-32972491-C-T.
Other names: c.9745C>T, p.Pro3249Ser (NM_001406719.1); c.9790C>T, p.Pro3264Ser (NM_001406720.1); c.4909C>T, p.Pro1637Ser (NM_001406721.1); c.3424C>T, p.Pro1142Ser (NM_001406722.1); short protein forms P3264S, P3281S, P1142S, P1637S, P3249S.
Identifiers: ClinVar variation 2807008 (VCV002807008.3), dbSNP rs2137664317, ClinGen allele CA387766415.
Genomic context (GRCh38, chr13:32,398,354, plus strand): 5'-GACCAAAAGAACTGCAAAAAGAGAAGAGCCTTGGATTTCTTGAGTAGACTGCCTTTACCT[C>T]CACCTGTTAGTCCCATTTGTACATTTGTTTCTCCGGCTGCACAGAAGGCATTTCAGCCAC-3'
Protein context (NP_000050.3, residues 3271-3291): LDFLSRLPLP[Pro3281Ser]PVSPICTFVS